The following is an entry in ClinVar:

ClinVar aggregate classification (germline): Uncertain significance (1 of 4 stars; one submission).

Submission:

Labcorp Genetics (formerly Invitae), Labcorp
Classification: Uncertain significance. Last evaluated: 2023-11-18. Review status: criteria provided, single submitter. Criteria: Invitae Variant Classification Sherloc (09022015). Collection method: clinical testing. Allele origin: germline.
Comment: This sequence change replaces threonine, which is neutral and polar, with arginine, which is basic and polar, at codon 491 of the ARHGAP24 protein (p.Thr491Arg). This variant is not present in population databases (gnomAD no frequency). This variant has not been reported in the literature in individuals affected with ARHGAP24-related conditions. An algorithm developed to predict the effect of missense changes on protein structure and function (PolyPhen-2) suggests that this variant is likely to be tolerated. In summary, the available evidence is currently insufficient to determine the role of this variant in disease. Therefore, it has been classified as a Variant of Uncertain Significance.

NM_001025616.3(ARHGAP24):c.1472C>G (p.Thr491Arg)

Gene: ARHGAP24 (Rho GTPase activating protein 24; plus strand). Cytogenetic location: 4q21.23.
Variant type: single nucleotide variant.
Coding change: c.1472C>G on transcript NM_001025616.3 (MANE Select); coding-DNA position 1472, C replaced by G.
Protein change: p.Thr491Arg; replaces threonine 491 with arginine.
Molecular consequence: missense variant.
Genome position (GRCh38, 1-based): chr4:85,995,126, C>G. VCF-style: chr4-85995126-C-G. GRCh37 (hg19) VCF-style: chr4-86916279-C-G.
Other names: c.1187C>G, p.Thr396Arg (NM_001042669.2); c.1217C>G, p.Thr406Arg (NM_001287805.2); c.893C>G, p.Thr298Arg (NM_001346093.2); c.1193C>G, p.Thr398Arg (NM_031305.3); short protein forms T406R, T396R, T491R, T398R, T298R.
Identifiers: ClinVar variation 2845188 (VCV002845188.3), dbSNP rs2546208565, ClinGen allele CA357576429.
Genomic context (GRCh38, chr4:85,995,126, plus strand): 5'-AAATGGGCACGCACAGTGTACAGAATGGAACGGTGCGCATGGGCATTTTGAACAGCGACA[C>G]ACTCGGGAACCCCACAAATGTTCGAAACATGAGCTGGCTGCCAAATGGCTATGTGACCCT-3'
Protein context (NP_001020787.2, residues 481-501): TVRMGILNSD[Thr491Arg]LGNPTNVRNM